The following is an entry in ClinVar:

ClinVar aggregate classification (germline): Uncertain significance. Review status: criteria provided, multiple submitters, no conflicts (2 of 4 stars). 3 submissions from 3 submitters: Uncertain significance (2). 1 of the submissions does not count toward it. Last evaluated 2025-04-01.

Conditions:
Inborn genetic diseases. Identifiers: MedGen C0950123, MeSH D030342.
VCAN-related disorder. Also called: VCAN-related condition.

Allele frequency attached by ClinVar (database versions not stated): gnomAD 0.00001; gnomAD exomes 0.00001 and 0.00002.
gnomAD v4.1: 23 of 1,613,868 alleles (0.0014%); highest among the groups gnomAD compares: Admixed American, 0.038%; no homozygotes.

Submissions (3):

Ambry Genetics
Classification: Uncertain significance for Inborn genetic diseases. Last evaluated: 2025-04-01. Review status: criteria provided, single submitter. Criteria: Ambry Variant Classification Scheme 2023. Collection method: clinical testing. Allele origin: germline.

Labcorp Genetics (formerly Invitae), Labcorp
Classification: Uncertain significance. Last evaluated: 2024-04-14. Review status: criteria provided, single submitter. Criteria: Invitae Variant Classification Sherloc (09022015). Collection method: clinical testing. Allele origin: germline.
Comment: This sequence change replaces glutamine, which is neutral and polar, with proline, which is neutral and non-polar, at codon 1626 of the VCAN protein (p.Gln1626Pro). This variant is present in population databases (no rsID available, gnomAD 0.02%). This variant has not been reported in the literature in individuals affected with VCAN-related conditions. ClinVar contains an entry for this variant (Variation ID: 1423056). Algorithms developed to predict the effect of missense changes on protein structure and function output the following: SIFT: "Not Available"; PolyPhen-2: "Benign"; Align-GVGD: "Not Available". The proline amino acid residue is found in multiple mammalian species, which suggests that this missense change does not adversely affect protein function. In summary, the available evidence is currently insufficient to determine the role of this variant in disease. Therefore, it has been classified as a Variant of Uncertain Significance.

PreventionGenetics, part of Exact Sciences
Classification: Uncertain significance for VCAN-related condition. Last evaluated: 2024-08-09. Review status: no assertion criteria provided. Collection method: clinical testing. Allele origin: germline. Not counted in ClinVar's aggregate classification.
Comment: The VCAN c.4877A>C variant is predicted to result in the amino acid substitution p.Gln1626Pro. To our knowledge, this variant has not been reported in the literature. This variant is reported in 0.017% of alleles in individuals of Latino descent in gnomAD. At this time, the clinical significance of this variant is uncertain due to the absence of conclusive functional and genetic evidence.

NM_004385.5(VCAN):c.4877A>C (p.Gln1626Pro)

Genes: VCAN (versican; plus strand), VCAN-AS1 (VCAN antisense RNA 1; minus strand). Cytogenetic location: 5q14.3.
Variant type: single nucleotide variant.
Coding change: c.4877A>C on transcript NM_004385.5 (MANE Select); coding-DNA position 4877, A replaced by C.
Protein change: p.Gln1626Pro; replaces glutamine 1626 with proline.
Molecular consequence: missense variant. On other transcripts: intron variant (2).
Genome position (GRCh38, 1-based): chr5:83,537,880, A>C. VCF-style: chr5-83537880-A-C. GRCh37 (hg19) VCF-style: chr5-82833699-A-C.
Other names: c.4877A>C (NM_004385.4); c.1916A>C, p.Gln639Pro (NM_001164097.2); c.4004-7657A>C (NM_001164098.2); c.1043-7657A>C (NM_001126336.3); short protein forms Q1626P, Q639P.
Identifiers: ClinVar variation 1423056 (VCV001423056.8), dbSNP rs1470774810, ClinGen allele CA360309195.
Genomic context (GRCh38, chr5:83,537,880, plus strand): 5'-ATCCTTGGCCAGATGACCTGTTGTCTACCAAAGAAAGCTGGGTAGAAGCAACTCCTAGAC[A>C]AGTTGTAGAGCTCTCAGGGAGTTCTTCGATTCCAATTACAGAAGGCTCTGGAGAAGCAGA-3'
Protein context (NP_004376.2, residues 1616-1636): KESWVEATPR[Gln1626Pro]VVELSGSSSI